The following is an entry in ClinVar:

NM_001330260.2(SCN8A):c.5579_5599dup (p.Arg1866_Gln1867insArgGluLeuAspIleLeuArg)

Gene: SCN8A (sodium voltage-gated channel alpha subunit 8; plus strand). Cytogenetic location: 12q13.13.
Variant type: Duplication.
Coding change: c.5579_5599dup on transcript NM_001330260.2 (MANE Select); coding-DNA positions 5579 to 5599, 21 bases duplicated (GGGAGTTGGACATCCTGCGGC).
Protein change: p.Arg1866_Gln1867insArgGluLeuAspIleLeuArg.
Molecular consequence: inframe insertion.
Genome position (GRCh38, 1-based): chr12:51,807,065-51,807,085, GGGAGTTGGACATCCTGCGGC duplicated. VCF-style (leftmost placement, unchanged base first): chr12-51807064-G-GGGGAGTTGGACATCCTGCGGC. GRCh37 (hg19) VCF-style: chr12-52200848-G-GGGGAGTTGGACATCCTGCGGC.
Other names: c.5456_5476dup, p.Arg1825_Gln1826insArgGluLeuAspIleLeuArg (NM_001177984.3, NM_001369788.1); c.5579_5599dup, p.Arg1866_Gln1867insArgGluLeuAspIleLeuArg (NM_014191.4).
Identifiers: ClinVar variation 1067137 (VCV001067137.11), dbSNP rs2138944020, ClinGen allele CA2499221741.

ClinVar aggregate classification (germline): Likely pathogenic (1 of 4 stars; one submission).

Conditions:
Early-infantile DEE. Also called: Ohtahara syndrome; Early infantile epileptic encephalopathy with suppression bursts; Early infantile epileptic encephalopathy. Identifiers: Orphanet 1934, MedGen C0393706, MONDO:0800491.

Submission:

Labcorp Genetics (formerly Invitae), Labcorp
Classification: Likely pathogenic for Early-infantile DEE. Last evaluated: 2022-06-24. Review status: criteria provided, single submitter. Criteria: Invitae Variant Classification Sherloc (09022015). Collection method: clinical testing. Allele origin: germline.
Comment: This variant is not present in population databases (gnomAD no frequency). In summary, the currently available evidence indicates that the variant is pathogenic, but additional data are needed to prove that conclusively. Therefore, this variant has been classified as Likely Pathogenic. Experimental studies and prediction algorithms are not available or were not evaluated, and the functional significance of this variant is currently unknown. ClinVar contains an entry for this variant (Variation ID: 1067137). This variant has been observed in individual(s) with clinical features of SCN8A-related conditions (Invitae). In at least one individual the variant was observed to be de novo. This variant, c.5579_5599dup, results in the insertion of 7 amino acid(s) of the SCN8A protein (p.Arg1866_Gln1867insArgGluLeuAspIleLeuArg), but otherwise preserves the integrity of the reading frame.